The following is an entry in ClinVar:

NM_000138.5(FBN1):c.4301del (p.Gly1434fs)

Genes: FBN1 (fibrillin 1; minus strand), LOC126862124 (CDK7 strongly-dependent group 2 enhancer GRCh37_chr15:48764566-48765765; plus strand). Cytogenetic location: 15q21.1.
Variant type: Deletion.
Coding change: c.4301del on transcript NM_000138.5 (MANE Select); coding-DNA position 4301, one base deleted (G; older notation c.4301delG).
Protein change: p.Gly1434fs; shifts the reading frame from glycine 1434.
Molecular consequence: frameshift variant.
Genome position (GRCh38, 1-based): chr15:48,472,586, C deleted on the plus strand (G on the coding strand, the reverse complement: FBN1 is on the minus strand); the first of 3 consecutive C bases (chr15:48,472,586-48,472,588); deleting any one gives the same sequence. VCF-style (leftmost placement, unchanged base first): chr15-48472585-GC-G. GRCh37 (hg19) VCF-style: chr15-48764782-GC-G.
Other names: short protein forms G1434fs.
Identifiers: ClinVar variation 549221 (VCV000549221.2), dbSNP rs1555397537, ClinGen allele CA658824319.

ClinVar aggregate classification (germline): Pathogenic. Review status: criteria provided, single submitter (1 of 4 stars). 2 submissions from 2 submitters: Pathogenic (1). 1 of the submissions does not count toward it. Last evaluated 2025-03-12.

Conditions:
Familial thoracic aortic aneurysm and aortic dissection (TAAD). Also called: Thoracic aortic aneurysms and dissections. Identifiers: Orphanet 91387, MedGen C4707243, MONDO:0019625.
Marfan syndrome (MFS). Also called: Marfan syndrome type 1; Marfan syndrome, classic; Marfan's syndrome; FBN1-Related Marfan Syndrome; MARFAN SYNDROME, TYPE I. Identifiers: Orphanet 284963, Orphanet 558, MedGen C0024796, MONDO:0007947, OMIM 154700.

Submissions (2):

Labcorp Genetics (formerly Invitae), Labcorp
Classification: Pathogenic for Marfan syndrome; Familial thoracic aortic aneurysm and aortic dissection. Last evaluated: 2025-03-12. Review status: criteria provided, single submitter. Criteria: Invitae Variant Classification Sherloc (09022015). Collection method: clinical testing. Allele origin: germline.
Comment: This sequence change creates a premature translational stop signal (p.Gly1434Alafs*41) in the FBN1 gene. It is expected to result in an absent or disrupted protein product. Loss-of-function variants in FBN1 are known to be pathogenic (PMID: 17657824, 19293843). This variant is not present in population databases (gnomAD no frequency). This variant has not been reported in the literature in individuals affected with FBN1-related conditions. ClinVar contains an entry for this variant (Variation ID: 549221). For these reasons, this variant has been classified as Pathogenic.

Center for Medical Genetics Ghent, University of Ghent
Classification: Likely pathogenic for Marfan syndrome. Last evaluated: 2017-11-07. Review status: no assertion criteria provided. Collection method: clinical testing. Allele origin: germline. Affected: yes. Not counted in ClinVar's aggregate classification.

Literature cited by the submitters: PubMed 17657824 (cited by Labcorp Genetics (formerly Invitae), Labcorp); PubMed 19293843 (cited by Labcorp Genetics (formerly Invitae), Labcorp).